The following is an entry in ClinVar:

ClinVar aggregate classification (germline): Uncertain significance (1 of 4 stars; one submission).

Submission:

Labcorp Genetics (formerly Invitae), Labcorp
Classification: Uncertain significance. Last evaluated: 2023-11-19. Review status: criteria provided, single submitter. Criteria: Invitae Variant Classification Sherloc (09022015). Collection method: clinical testing. Allele origin: germline.
Comment: This sequence change replaces glutamic acid, which is acidic and polar, with alanine, which is neutral and non-polar, at codon 163 of the CLUAP1 protein (p.Glu163Ala). This variant is not present in population databases (gnomAD no frequency). This variant has not been reported in the literature in individuals affected with CLUAP1-related conditions. Advanced modeling of protein sequence and biophysical properties (such as structural, functional, and spatial information, amino acid conservation, physicochemical variation, residue mobility, and thermodynamic stability) performed at Invitae indicates that this missense variant is not expected to disrupt CLUAP1 protein function with a negative predictive value of 80%. In summary, the available evidence is currently insufficient to determine the role of this variant in disease. Therefore, it has been classified as a Variant of Uncertain Significance.

NM_015041.3(CLUAP1):c.488A>C (p.Glu163Ala)

Gene: CLUAP1 (clusterin associated protein 1; plus strand). Cytogenetic location: 16p13.3.
Variant type: single nucleotide variant.
Coding change: c.488A>C on transcript NM_015041.3 (MANE Select); coding-DNA position 488, A replaced by C.
Protein change: p.Glu163Ala; replaces glutamic acid 163 with alanine.
Molecular consequence: missense variant. On other transcripts: intron variant (1).
Genome position (GRCh38, 1-based): chr16:3,512,471, A>C. VCF-style: chr16-3512471-A-C. GRCh37 (hg19) VCF-style: chr16-3562471-A-C.
Other names: c.488A>C, p.Glu163Ala (NM_001330454.2); c.-4+2502A>C (NM_024793.3); short protein forms E163A.
Identifiers: ClinVar variation 2692922 (VCV002692922.3), dbSNP rs2037648216, ClinGen allele CA394512853.